The following is an entry in ClinVar:

ClinVar aggregate classification (germline): Uncertain significance. Review status: criteria provided, multiple submitters, no conflicts (2 of 4 stars). 2 submissions from 2 submitters: Uncertain significance (2). Last evaluated 2023-12-07.

Conditions:
Inborn genetic diseases. Identifiers: MedGen C0950123, MeSH D030342.
Larsen-like syndrome, B3GAT3 type. Also called: Multiple joint dislocations, short stature, craniofacial dysmorphism, with or without congenital heart defects; MULTIPLE JOINT DISLOCATIONS, SHORT STATURE, AND CRANIOFACIAL DYSMORPHISM WITH OR WITHOUT CONGENITAL HEART DEFECTS. Identifiers: Orphanet 284139, MedGen CN034159, MONDO:0009511, OMIM 245600.

Allele frequency attached by ClinVar (database versions not stated): gnomAD exomes below 0.00001 and 0.00001.
gnomAD v4.1: 2 of 1,614,118 alleles (0.00012%); highest among the groups gnomAD compares: Admixed American, 0.0033%; no homozygotes.

Submissions (2):

Ambry Genetics
Classification: Uncertain significance for Inborn genetic diseases. Last evaluated: 2023-12-07. Review status: criteria provided, single submitter. Criteria: Ambry Variant Classification Scheme 2023. Collection method: clinical testing. Allele origin: germline.

Labcorp Genetics (formerly Invitae), Labcorp
Classification: Uncertain significance for Larsen-like syndrome, B3GAT3 type. Last evaluated: 2021-08-28. Review status: criteria provided, single submitter. Criteria: Invitae Variant Classification Sherloc (09022015). Collection method: clinical testing. Allele origin: germline.
Comment: This sequence change replaces glycine with serine at codon 176 of the B3GAT3 protein (p.Gly176Ser). The glycine residue is weakly conserved and there is a small physicochemical difference between glycine and serine. This variant is not present in population databases (ExAC no frequency). This variant has not been reported in the literature in individuals affected with B3GAT3-related conditions. Algorithms developed to predict the effect of missense changes on protein structure and function (SIFT, PolyPhen-2, Align-GVGD) all suggest that this variant is likely to be tolerated. Algorithms developed to predict the effect of sequence changes on RNA splicing suggest that this variant may create or strengthen a splice site. In summary, the available evidence is currently insufficient to determine the role of this variant in disease. Therefore, it has been classified as a Variant of Uncertain Significance.

NM_012200.4(B3GAT3):c.526G>A (p.Gly176Ser)

Gene: B3GAT3 (beta-1,3-glucuronyltransferase 3; minus strand). Cytogenetic location: 11q12.3.
Variant type: single nucleotide variant.
Coding change: c.526G>A on transcript NM_012200.4 (MANE Select); coding-DNA position 526, G replaced by A.
Protein change: p.Gly176Ser; replaces glycine 176 with serine.
Molecular consequence: missense variant. On other transcripts: non-coding transcript variant (1).
Genome position (GRCh38, 1-based): chr11:62,617,079, C>T on the plus strand (G>A on the coding strand, the complement: B3GAT3 is on the minus strand). VCF-style: chr11-62617079-C-T. GRCh37 (hg19) VCF-style: chr11-62384551-C-T.
Other names: c.505G>A, p.Gly169Ser (NM_001288721.2); c.526G>A, p.Gly176Ser (NM_001288722.2, NM_001288723.2); c.526G>A (NM_012200.3); short protein forms G176S, G169S.
Identifiers: ClinVar variation 1444007 (VCV001444007.6), dbSNP rs1282350838, ClinGen allele CA380976825.